The following is an entry in ClinVar:

ClinVar aggregate classification (germline): Pathogenic. Review status: criteria provided, single submitter (1 of 4 stars). 2 submissions from 2 submitters: Pathogenic (1). 1 of the submissions does not count toward it. Last evaluated 2023-08-07.

Conditions:
Clubfoot. Also called: congenital talipes equinovarus; CLUBFOOT, CONGENITAL, WITH OR WITHOUT DEFICIENCY OF LONG BONES AND/OR MIRROR-IMAGE POLYDACTYLY; Club foot; Talipes equinovarus; Clubfeet. Identifiers: Orphanet 199315, MedGen C0009081, MONDO:0007342, OMIM 119800, HP:0001762.

Allele frequency attached by ClinVar (database versions not stated): gnomAD exomes below 0.00001.

Submissions (2):

GeneDx
Classification: Pathogenic. Last evaluated: 2023-08-07. Review status: criteria provided, single submitter. Criteria: GeneDx Variant Classification Process June 2021. Collection method: clinical testing. Allele origin: germline. Affected: yes.
Comment: Published functional studies demonstrate a damaging effect: reduced activity and transactivation ability (Gurnett et al., 2008); Not observed at significant frequency in large population cohorts (gnomAD); In silico analysis supports that this missense variant has a deleterious effect on protein structure/function; This variant is associated with the following publications: (PMID: 31527569, 22258522, 24932901, 36360195, 23810783, 34782442, 21775501, 32598510, 18950742)

OMIM
Classification: Pathogenic for CLUBFOOT, CONGENITAL, WITH OR WITHOUT DEFICIENCY OF LONG BONES AND/OR MIRROR-IMAGE POLYDACTYLY. Last evaluated: 2008-11-01. Review status: no assertion criteria provided. Collection method: literature only. Allele origin: germline. Not counted in ClinVar's aggregate classification.

Literature cited by the submitters: PubMed 18950742 (cited by OMIM).

NM_002653.5(PITX1):c.388G>A (p.Glu130Lys)

Gene: PITX1 (paired like homeodomain 1; minus strand). Cytogenetic location: 5q31.1.
Variant type: single nucleotide variant.
Coding change: c.388G>A on transcript NM_002653.5 (MANE Select); coding-DNA position 388, G replaced by A.
Protein change: p.Glu130Lys; replaces glutamic acid 130 with lysine.
Molecular consequence: missense variant.
Genome position (GRCh38, 1-based): chr5:135,031,290, C>T on the plus strand (G>A on the coding strand, the complement: PITX1 is on the minus strand). VCF-style: chr5-135031290-C-T. GRCh37 (hg19) VCF-style: chr5-134366980-C-T.
Other names: c.388G>A (NM_002653.4); short protein forms E130K.
Identifiers: ClinVar variation 7505 (VCV000007505.2), dbSNP rs121909109, ClinGen allele CA118852.
Genomic context (GRCh38, chr5:135,031,290, plus strand): 5'-GGGAGCCCTCTGCGCGGGTGCCCTTAGGCGCGCACCCCTTGCTCACCCGCACGCGCGGCT[C>T]GGTGAGGTTGGTCCACACGGCGATCTCCTCCCTCATGCTCATGTCGGGGTAGCGGTTCCT-3'
Protein context (NP_002644.4, residues 120-140): EEIAVWTNLT[Glu130Lys]PRVRVWFKNR